The following is an entry in ClinVar:

NM_182961.4(SYNE1):c.21005_21006delinsAG (p.Ser7002Lys)

Gene: SYNE1 (spectrin repeat containing nuclear envelope protein 1; minus strand). Cytogenetic location: 6q25.2.
Variant type: Indel.
Coding change: c.21005_21006delinsAG on transcript NM_182961.4 (MANE Select); coding-DNA positions 21005 to 21006, GT replaced by AG.
Protein change: p.Ser7002Lys; replaces serine 7002 with lysine.
Molecular consequence: missense variant.
Genome position (GRCh38, 1-based): chr6:152,231,424-152,231,425, AC replaced by CT on the plus strand (GT replaced by AG on the coding strand, the reverse complement: SYNE1 is on the minus strand). VCF-style: chr6-152231424-AC-CT. GRCh37 (hg19) VCF-style: chr6-152552559-AC-CT.
Other names: c.20792_20793delinsAG, p.Ser6931Lys (NM_033071.5); short protein forms S6931K, S7002K.
Identifiers: ClinVar variation 2168448 (VCV002168448.4), dbSNP rs2551630742, ClinGen allele CA2580075274.
Genomic context (GRCh38, chr6:152,231,424, plus strand): 5'-CTGGACAGTGGGAAGCCACTGGCTTACCTTCTCAGTTACTAGACCTTGCAGAATTTGCCA[AC>CT]TTTTATTCATTGCTCCAAGTTGCTCAGCAAAATCAGTCTTATCACTACGCTTACTTTCCA-3'
Protein context (NP_892006.3, residues 6992-7012): FAEQLGAMNK[Ser7002Lys]WQILQGLVTE

ClinVar aggregate classification (germline): Uncertain significance (1 of 4 stars; one submission).

Conditions:
Autosomal recessive ataxia, Beauce type. Also called: SYNE1-Related Autosomal Recessive Cerebellar Ataxia; Spinocerebellar ataxia, autosomal recessive 8; ATAXIA, RECESSIVE, OF BEAUCE; SYNE1 Deficiency. Identifiers: Orphanet 88644, MedGen C1853116, MONDO:0012549, OMIM 610743.
Emery-Dreifuss muscular dystrophy 4, autosomal dominant (EDMD4). Also called: EMERY-DREIFUSS MUSCULAR DYSTROPHY 4 WITH VARIABLE FEATURES. Identifiers: Orphanet 261, MedGen C2751807, MONDO:0013071, OMIM 612998.

Submission:

Labcorp Genetics (formerly Invitae), Labcorp
Classification: Uncertain significance for Emery-Dreifuss muscular dystrophy 4, autosomal dominant; Autosomal recessive ataxia, Beauce type. Last evaluated: 2024-10-07. Review status: criteria provided, single submitter. Criteria: Invitae Variant Classification Sherloc (09022015). Collection method: clinical testing. Allele origin: germline.
Comment: This sequence change replaces serine, which is neutral and polar, with lysine, which is basic and polar, at codon 6931 of the SYNE1 protein (p.Ser6931Lys). Information on the frequency of this variant in the gnomAD database is not available, as this variant may be reported differently in the database. This variant has not been reported in the literature in individuals affected with SYNE1-related conditions. ClinVar contains an entry for this variant (Variation ID: 2168448). An algorithm developed to predict the effect of missense changes on protein structure and function (PolyPhen-2) suggests that this variant is likely to be tolerated. In summary, the available evidence is currently insufficient to determine the role of this variant in disease. Therefore, it has been classified as a Variant of Uncertain Significance.